The following is an entry in ClinVar:

ClinVar aggregate classification (germline): Likely benign. Review status: criteria provided, single submitter (1 of 4 stars). 2 submissions from 2 submitters: Likely benign (1). 1 of the submissions does not count toward it. Last evaluated 2026-01-28.

Conditions:
TTN-related disorder. Also called: TTN-related condition; TTN-related disease; TTN-related disorders.
Dilated cardiomyopathy 1G (CMD1G). Identifiers: Orphanet 154, MedGen C1858763, MONDO:0011400, OMIM 604145.
Autosomal recessive limb-girdle muscular dystrophy type 2J (LGMDR10). Also called: Limb-girdle muscular dystrophy, type 2J; MUSCULAR DYSTROPHY, LIMB-GIRDLE, AUTOSOMAL RECESSIVE 10. Identifiers: Orphanet 140922, MedGen C1837342, MONDO:0012127, OMIM 608807.

Allele frequency attached by ClinVar (database versions not stated): gnomAD 0.00002 and 0.00003; TOPMed 0.00003; ESP Exome Variant Server 0.00024.
gnomAD v4.1: 61 of 1,611,376 alleles (0.0038%); highest among the groups gnomAD compares: Non-Finnish European, 0.0047%; no homozygotes.

Submissions (2):

Labcorp Genetics (formerly Invitae), Labcorp
Classification: Likely benign for Dilated cardiomyopathy 1G; Autosomal recessive limb-girdle muscular dystrophy type 2J. Last evaluated: 2026-01-28. Review status: criteria provided, single submitter. Criteria: Invitae Variant Classification Sherloc (09022015). Collection method: clinical testing. Allele origin: germline.

PreventionGenetics, part of Exact Sciences
Classification: Likely benign for TTN-related condition. Last evaluated: 2022-02-01. Review status: no assertion criteria provided. Collection method: clinical testing. Allele origin: germline. Not counted in ClinVar's aggregate classification.
Comment: This variant is classified as likely benign based on ACMG/AMP sequence variant interpretation guidelines (Richards et al. 2015 PMID: 25741868, with internal and published modifications).

NM_001267550.2(TTN):c.23028C>T (p.Ser7676=)

Gene: TTN (titin; minus strand). Cytogenetic location: 2q31.2.
Variant type: single nucleotide variant.
Coding change: c.23028C>T on transcript NM_001267550.2 (MANE Select); coding-DNA position 23028, C replaced by T.
Protein change: p.Ser7676=; no amino-acid change (serine 7676 retained).
Molecular consequence: synonymous variant. On other transcripts: intron variant (3).
Genome position (GRCh38, 1-based): chr2:178,720,991, G>A on the plus strand (C>T on the coding strand, the complement: TTN is on the minus strand). VCF-style: chr2-178720991-G-A. GRCh37 (hg19) VCF-style: chr2-179585718-G-A.
Other names: c.22077C>T, p.Ser7359= (NM_001256850.1); c.19296C>T, p.Ser6432= (NM_133378.4); c.13282+17091C>T (NM_003319.4); c.13858+17091C>T (NM_133437.4); c.13657+17091C>T (NM_133432.3).
Identifiers: ClinVar variation 702952 (VCV000702952.13), dbSNP rs199907920, ClinGen allele CA2000731.